The following is an entry in ClinVar:

NM_145059.3(FCSK):c.1324C>T (p.Arg442Cys)

Gene: FCSK (fucose kinase; plus strand). Cytogenetic location: 16q22.1.
Variant type: single nucleotide variant.
Coding change: c.1324C>T on transcript NM_145059.3 (MANE Select); coding-DNA position 1324, C replaced by T.
Protein change: p.Arg442Cys; replaces arginine 442 with cysteine.
Molecular consequence: missense variant.
Genome position (GRCh38, 1-based): chr16:70,471,335, C>T. VCF-style: chr16-70471335-C-T. GRCh37 (hg19) VCF-style: chr16-70505238-C-T.
Other names: short protein forms R442C.
Identifiers: ClinVar variation 2997779 (VCV002997779.3), dbSNP rs751536679, ClinGen allele CA8143277.

ClinVar aggregate classification (germline): Uncertain significance (1 of 4 stars; one submission).

Allele frequency attached by ClinVar (database versions not stated): TOPMed below 0.00001; gnomAD 0.00001; ExAC 0.00002; gnomAD exomes 0.00002.
gnomAD v4.1: 25 of 1,588,856 alleles (0.0016%); highest among the groups gnomAD compares: South Asian, 0.02%; no homozygotes.

Submission:

Labcorp Genetics (formerly Invitae), Labcorp
Classification: Uncertain significance. Last evaluated: 2023-11-19. Review status: criteria provided, single submitter. Criteria: Invitae Variant Classification Sherloc (09022015). Collection method: clinical testing. Allele origin: germline.
Comment: This sequence change replaces arginine, which is basic and polar, with cysteine, which is neutral and slightly polar, at codon 442 of the FUK protein (p.Arg442Cys). The frequency data for this variant in the population databases is considered unreliable, as metrics indicate poor data quality at this position in the gnomAD database. This variant has not been reported in the literature in individuals affected with FUK-related conditions. Algorithms developed to predict the effect of missense changes on protein structure and function output the following: SIFT: "Not Available"; PolyPhen-2: "Benign"; Align-GVGD: "Not Available". The cysteine amino acid residue is found in multiple mammalian species, which suggests that this missense change does not adversely affect protein function. In summary, the available evidence is currently insufficient to determine the role of this variant in disease. Therefore, it has been classified as a Variant of Uncertain Significance.